The following is an entry in ClinVar:

NM_152743.4(BRAT1):c.2290C>G (p.Pro764Ala)

Gene: BRAT1 (BRCA1 associated ATM activator 1; minus strand). Cytogenetic location: 7p22.3.
Variant type: single nucleotide variant.
Coding change: c.2290C>G on transcript NM_152743.4 (MANE Select); coding-DNA position 2290, C replaced by G.
Protein change: p.Pro764Ala; replaces proline 764 with alanine.
Molecular consequence: missense variant. On other transcripts: non-coding transcript variant (1).
Genome position (GRCh38, 1-based): chr7:2,538,245, G>C on the plus strand (C>G on the coding strand, the complement: BRAT1 is on the minus strand). VCF-style: chr7-2538245-G-C. GRCh37 (hg19) VCF-style: chr7-2577879-G-C.
Other names: c.2470C>G, p.Pro824Ala (NM_001350626.2); c.1765C>G, p.Pro589Ala (NM_001350627.2); short protein forms P764A, P589A, P824A.
Identifiers: ClinVar variation 947950 (VCV000947950.2), dbSNP rs754574676, ClinGen allele CA4127401.

ClinVar aggregate classification (germline): Uncertain significance. Review status: criteria provided, multiple submitters, no conflicts (2 of 4 stars). 2 submissions from 2 submitters: Uncertain significance (2). Last evaluated 2023-09-22.

Conditions:
Neonatal-onset encephalopathy with rigidity and seizures. Also called: Lethal neonatal spasticity-epileptic encephalopathy syndrome. Identifiers: Orphanet 435845, MedGen C3281029, MONDO:0013784, OMIM 614498.
Inborn genetic diseases. Identifiers: MedGen C0950123, MeSH D030342.

Allele frequency attached by ClinVar (database versions not stated): TOPMed below 0.00001; gnomAD 0.00001.
gnomAD v4.1: 13 of 1,609,918 alleles (0.00081%); highest among the groups gnomAD compares: South Asian, 0.012%; no homozygotes.

Submissions (2):

Ambry Genetics
Classification: Uncertain significance for Inborn genetic diseases. Last evaluated: 2023-09-22. Review status: criteria provided, single submitter. Criteria: Ambry Variant Classification Scheme 2023. Collection method: clinical testing. Allele origin: germline.

Labcorp Genetics (formerly Invitae), Labcorp
Classification: Uncertain significance for Rigidity and multifocal seizure syndrome, lethal neonatal. Last evaluated: 2019-06-03. Review status: criteria provided, single submitter. Criteria: Invitae Variant Classification Sherloc (09022015). Collection method: clinical testing. Allele origin: germline.
Comment: This sequence change replaces proline with alanine at codon 764 of the BRAT1 protein (p.Pro764Ala). The proline residue is weakly conserved and there is a small physicochemical difference between proline and alanine. This variant is present in population databases (rs754574676, ExAC 0.006%). This variant has not been reported in the literature in individuals with BRAT1-related disease. Algorithms developed to predict the effect of missense changes on protein structure and function (SIFT, PolyPhen-2, Align-GVGD) all suggest that this variant is likely to be tolerated, but these predictions have not been confirmed by published functional studies and their clinical significance is uncertain. In summary, the available evidence is currently insufficient to determine the role of this variant in disease. Therefore, it has been classified as a Variant of Uncertain Significance.